The following is an entry in ClinVar:

NM_006642.5(SDCCAG8):c.337C>A (p.Pro113Thr)

Gene: SDCCAG8 (SHH signaling and ciliogenesis regulator SDCCAG8; plus strand). Cytogenetic location: 1q43.
Variant type: single nucleotide variant.
Coding change: c.337C>A on transcript NM_006642.5 (MANE Select); coding-DNA position 337, C replaced by A.
Protein change: p.Pro113Thr; replaces proline 113 with threonine.
Molecular consequence: missense variant. On other transcripts: 5 prime UTR variant (3).
Genome position (GRCh38, 1-based): chr1:243,274,573, C>A. VCF-style: chr1-243274573-C-A. GRCh37 (hg19) VCF-style: chr1-243437875-C-A.
Other names: c.-776C>A (NM_001350246.2); c.-664C>A (NM_001350247.2); c.337C>A, p.Pro113Thr (NM_001350248.2); c.43C>A, p.Pro15Thr (NM_001350249.2); c.-1037C>A (NM_001350251.2); short protein forms P113T, P15T.
Identifiers: ClinVar variation 4996618 (VCV004996618.1).
Genomic context (GRCh38, chr1:243,274,573, plus strand): 5'-ATGTATTTATTTATTTATTTTTTGTCATAGAGGTCATTAGAACATGAGGAAACCAATATG[C>A]CTACTATGCACGACCTTGTTCATACTATTAATGACCAGTCTCAATATATTCATCATTTAG-3'
Protein context (NP_006633.1, residues 103-123): RSLEHEETNM[Pro113Thr]TMHDLVHTIN

ClinVar aggregate classification (germline): Uncertain significance (1 of 4 stars; one submission).

Conditions:
SDCCAG8-related disorder. Also called: SDCCAG8-Related Disorders; SDCCAG8-related condition.

Submission:

PreventionGenetics, part of Exact Sciences
Classification: Uncertain significance for SDCCAG8-related condition. Last evaluated: 2026-01-21. Review status: criteria provided, single submitter. Criteria: ACMG Guidelines, 2015. Collection method: clinical testing. Allele origin: germline.
Comment: The SDCCAG8 c.337C>A variant is predicted to result in the amino acid substitution p.Pro113Thr. To our knowledge, this variant has not been reported in the literature or in a large population database (gnomAD), indicating this variant is rare. At this time, the clinical significance of this variant is uncertain due to the absence of conclusive functional and genetic evidence.